The following is an entry in ClinVar:

ClinVar aggregate classification (germline): Likely benign (0 of 4 stars; one submission).

Conditions:
CPOX-related disorder. Also called: CPOX-related disorders; CPOX-related condition.

gnomAD v4.1: 1 of 1,425,036 alleles (0.00007%); highest among the groups gnomAD compares: Non-Finnish European, 0.000091%; no homozygotes.

Submission:

PreventionGenetics, part of Exact Sciences
Classification: Likely benign for CPOX-related condition. Last evaluated: 2019-07-10. Review status: no assertion criteria provided. Collection method: clinical testing. Allele origin: germline.
Comment: This variant is classified as likely benign based on ACMG/AMP sequence variant interpretation guidelines (Richards et al. 2015 PMID: 25741868, with internal and published modifications).

NM_000097.7(CPOX):c.102G>A (p.Gly34=)

Genes: CPOX (coproporphyrinogen oxidase; minus strand), LOC129937121 (ATAC-STARR-seq lymphoblastoid silent region 14560; plus strand). Cytogenetic location: 3q11.2.
Variant type: single nucleotide variant.
Coding change: c.102G>A on transcript NM_000097.7 (MANE Select); coding-DNA position 102, G replaced by A.
Protein change: p.Gly34=; no amino-acid change (glycine 34 retained).
Molecular consequence: synonymous variant.
Genome position (GRCh38, 1-based): chr3:98,593,403, C>T on the plus strand (G>A on the coding strand, the complement: CPOX is on the minus strand). VCF-style: chr3-98593403-C-T. GRCh37 (hg19) VCF-style: chr3-98312247-C-T.
Identifiers: ClinVar variation 3049954 (VCV003049954.2), dbSNP rs1707526888, ClinGen allele CA434876180.
Genomic context (GRCh38, chr3:98,593,403, plus strand): 5'-AGCCGGGCCAGGGGGCCGGCAGACGCGTCCGGCTGCGCTGCGCTGGGACCAGGCTCGGAG[C>T]CCTCCGCCGCCGCACTGGGACCAGGCGCGGGGCCCTCCGCAGCCGCCCCGCGCCACGAGC-3'
Protein context (NP_000088.3, residues 24-44): PRAWSQCGGG[Gly34=]LRAWSQRSAA